The following is an entry in ClinVar:

ClinVar aggregate classification (germline): Likely pathogenic (1 of 4 stars; one submission).

Conditions:
Exostoses, multiple, type 1 (EXT1). Also called: Hereditary Multiple Osteochondromatosis, Type I; EXOSTOSES, MULTIPLE, TYPE I. Identifiers: MedGen CN263289, MONDO:0007585, OMIM 133700.

Submission:

Clinical Biomedical Laboratory, Shriners Hospital For Children - Canada
Classification: Likely pathogenic for Exostoses, multiple, type 1. Last evaluated: 2024-01-08. Review status: criteria provided, single submitter. Criteria: ACMG Guidelines, 2015. Collection method: clinical testing. Allele origin: germline. Inheritance: Autosomal dominant inheritance. Affected: yes. Observed: 1 heterozygote.
Comment: A heterozygous one base pair deletion at a consensus splice site in intron 5 of EXT1 was detected in the submitted sample. This variant has not been found in a large study on apparently healthy adults (Genome Aggregation Database, v2.1.1.), indicating it is not a common finding. This specific variant has, to the best of our knowledge, not been reported in the literature. However, loss of function variants in EXT1 are an established cause of multiple exostoses.

NM_000127.3(EXT1):c.1417+2del

Gene: EXT1 (exostosin glycosyltransferase 1; minus strand). Cytogenetic location: 8q24.11.
Variant type: Deletion.
Coding change: c.1417+2del on transcript NM_000127.3 (MANE Select); the canonical splice donor site of the intron after coding-DNA position 1417, one base deleted (T; older notation c.1417+2delT).
Molecular consequence: splice donor variant.
Genome position (GRCh38, 1-based): chr8:117,822,463, A deleted on the plus strand (T on the coding strand, the reverse complement: EXT1 is on the minus strand). VCF-style (leftmost placement, unchanged base first): chr8-117822462-TA-T. GRCh37 (hg19) VCF-style: chr8-118834701-TA-T.
Identifiers: ClinVar variation 3773874 (VCV003773874.2).